The following is an entry in ClinVar:

ClinVar aggregate classification (germline): Uncertain significance (1 of 4 stars; one submission).

Conditions:
Multiple endocrine neoplasia, type 1 (MEN1). Also called: MEA I; MEN I; WERMER SYNDROME; Endocrine adenomatosis multiple; MEN 1. Identifiers: Orphanet 652, MedGen C0025267, MeSH D018761, MONDO:0007540, OMIM 131100.

Submission:

Labcorp Genetics (formerly Invitae), Labcorp
Classification: Uncertain significance for Multiple endocrine neoplasia, type 1. Last evaluated: 2025-02-03. Review status: criteria provided, single submitter. Criteria: Invitae Variant Classification Sherloc (09022015). Collection method: clinical testing. Allele origin: germline.
Comment: This sequence change replaces glycine, which is neutral and non-polar, with glutamic acid, which is acidic and polar, at codon 449 of the MEN1 protein (p.Gly449Glu). This variant is not present in population databases (gnomAD no frequency). This variant has not been reported in the literature in individuals affected with MEN1-related conditions. Invitae Evidence Modeling of protein sequence and biophysical properties (such as structural, functional, and spatial information, amino acid conservation, physicochemical variation, residue mobility, and thermodynamic stability) indicates that this missense variant is not expected to disrupt MEN1 protein function with a negative predictive value of 80%. In summary, the available evidence is currently insufficient to determine the role of this variant in disease. Therefore, it has been classified as a Variant of Uncertain Significance.

NM_001370259.2(MEN1):c.1346G>A (p.Gly449Glu)

Gene: MEN1 (menin 1; minus strand). Cytogenetic location: 11q13.1.
Variant type: single nucleotide variant.
Coding change: c.1346G>A on transcript NM_001370259.2 (MANE Select); coding-DNA position 1346, G replaced by A.
Protein change: p.Gly449Glu; replaces glycine 449 with glutamic acid.
Molecular consequence: missense variant. On other transcripts: non-coding transcript variant (4), intron variant (1).
Genome position (GRCh38, 1-based): chr11:64,805,038, C>T on the plus strand (G>A on the coding strand, the complement: MEN1 is on the minus strand). VCF-style: chr11-64805038-C-T. GRCh37 (hg19) VCF-style: chr11-64572510-C-T.
Other names: c.1361G>A, p.Gly454Glu (NM_000244.4, NM_130800.3, NM_130801.3 and 4 more transcripts); c.1472G>A, p.Gly491Glu (NM_001370251.2, NM_001407142.1, NM_001407143.1 and 1 more transcripts); c.1346G>A, p.Gly449Glu (NM_001370260.2, NM_001370261.2, NM_130799.3 and 2 more transcripts); c.1241G>A, p.Gly414Glu (NM_001370262.2, NM_001370263.2, NM_001407148.1 and 1 more transcripts); c.1487G>A, p.Gly496Glu (NM_001407150.1); c.1367G>A, p.Gly456Glu (NM_001407151.1); c.1186-222G>A (NM_001407152.1); short protein forms G414E, G449E, G454E, G456E, G491E, G496E.
Identifiers: ClinVar variation 4800417 (VCV004800417.1).